The following is an entry in ClinVar:

NM_000168.6(GLI3):c.199G>A (p.Gly67Arg)

Gene: GLI3 (GLI family zinc finger 3; minus strand). Cytogenetic location: 7p14.1.
Variant type: single nucleotide variant.
Coding change: c.199G>A on transcript NM_000168.6 (MANE Select); coding-DNA position 199, G replaced by A.
Protein change: p.Gly67Arg; replaces glycine 67 with arginine.
Molecular consequence: missense variant.
Genome position (GRCh38, 1-based): chr7:42,148,394, C>T on the plus strand (G>A on the coding strand, the complement: GLI3 is on the minus strand). VCF-style: chr7-42148394-C-T. GRCh37 (hg19) VCF-style: chr7-42187993-C-T.
Other names: c.199G>A (NM_000168.5); short protein forms G67R.
Identifiers: ClinVar variation 1056916 (VCV001056916.6), dbSNP rs374123528, ClinGen allele CA4231280.

ClinVar aggregate classification (germline): Uncertain significance. Review status: criteria provided, multiple submitters, no conflicts (2 of 4 stars). 3 submissions from 3 submitters: Uncertain significance (3). Last evaluated 2024-11-12.

Conditions:
Polydactyly, postaxial, type A1. Identifiers: MedGen C4282400, MONDO:0008266, OMIM 174200.
Polysyndactyly 4. Also called: Polysyndactyly uncomplicated; Preaxial polydactyly 4. Identifiers: Orphanet 93338, MedGen C1868111, MONDO:0008272, OMIM 174700.
Pallister-Hall syndrome (PHS). Also called: HYPOTHALAMIC HAMARTOBLASTOMA, HYPOPITUITARISM, IMPERFORATE ANUS, AND POSTAXIAL POLYDACTYLY; GLI3-Related Pallister-Hall Syndrome. Identifiers: Orphanet 672, MedGen C0265220, MONDO:0007804, OMIM 146510.
Greig cephalopolysyndactyly syndrome (GCPS). Also called: Greig syndrome; GLI3-Related Greig Cephalopolysyndactyly Syndrome; POLYSYNDACTYLY WITH PECULIAR SKULL SHAPE. Identifiers: Orphanet 380, MedGen C0265306, MONDO:0008287, OMIM 175700.
GLI3-related disorder. Also called: GLI3-related disorders; GLI3-related condition. Identifiers: MedGen CN239292.

Allele frequency attached by ClinVar (database versions not stated): gnomAD exomes below 0.00001; ExAC 0.00001; TOPMed 0.00002; gnomAD 0.00003; ESP Exome Variant Server 0.00008.
gnomAD v4.1: 7 of 1,613,864 alleles (0.00043%); highest among the groups gnomAD compares: African/African-American, 0.0013%; no homozygotes.

Submissions (3):

PreventionGenetics, part of Exact Sciences
Classification: Uncertain significance for GLI3-related condition. Last evaluated: 2024-11-12. Review status: criteria provided, single submitter. Criteria: ACMG Guidelines, 2015. Collection method: clinical testing. Allele origin: germline.
Comment: The GLI3 c.199G>A variant is predicted to result in the amino acid substitution p.Gly67Arg. To our knowledge, this variant has not been reported in the literature. This variant is reported in 0.00088% of alleles in individuals of European (non-Finnish) descent in gnomAD. At this time, the clinical significance of this variant is uncertain due to the absence of conclusive functional and genetic evidence.

Fulgent Genetics
Classification: Uncertain significance for Pallister-Hall syndrome; Polydactyly, postaxial, type A1; Polysyndactyly 4; Greig cephalopolysyndactyly syndrome. Last evaluated: 2022-05-31. Review status: criteria provided, single submitter. Criteria: ACMG Guidelines, 2015. Collection method: clinical testing. Allele origin: unknown.

Labcorp Genetics (formerly Invitae), Labcorp
Classification: Uncertain significance for Pallister-Hall syndrome; Greig cephalopolysyndactyly syndrome. Last evaluated: 2021-08-27. Review status: criteria provided, single submitter. Criteria: Invitae Variant Classification Sherloc (09022015). Collection method: clinical testing. Allele origin: germline.